The following is an entry in ClinVar:

ClinVar aggregate classification (germline): Likely benign. Review status: criteria provided, multiple submitters, no conflicts (2 of 4 stars). 2 submissions from 2 submitters: Likely benign (2). Last evaluated 2026-04-17.

Conditions:
Combined oxidative phosphorylation defect type 27. Also called: Combined oxidative phosphorylation deficiency 27. Identifiers: Orphanet 477774, MedGen C5567608, MONDO:0014728, OMIM 616672.
CARS2-related disorder. Also called: CARS2-related condition.

Allele frequency attached by ClinVar (database versions not stated): gnomAD 0.00001 and 0.00002; gnomAD exomes 0.00001 and 0.00005; ExAC 0.00002; 1000 Genomes Project 30x 0.00016; 1000 Genomes Project 0.00020.
gnomAD v4.1: 20 of 1,613,528 alleles (0.0012%); highest among the groups gnomAD compares: East Asian, 0.04%; no homozygotes.

Submissions (2):

PreventionGenetics, part of Exact Sciences
Classification: Likely benign for CARS2-related condition. Last evaluated: 2026-04-17. Review status: criteria provided, single submitter. Criteria: ACMG Guidelines, 2015. Collection method: clinical testing. Allele origin: germline.
Comment: This variant is classified as likely benign based on ACMG/AMP sequence variant interpretation guidelines (Richards et al. 2015 PMID: 25741868, with internal and published modifications).

Labcorp Genetics (formerly Invitae), Labcorp
Classification: Likely benign for Combined oxidative phosphorylation defect type 27. Last evaluated: 2024-10-25. Review status: criteria provided, single submitter. Criteria: Invitae Variant Classification Sherloc (09022015). Collection method: clinical testing. Allele origin: germline.

NM_024537.4(CARS2):c.1206C>T (p.Thr402=)

Gene: CARS2 (cysteinyl-tRNA synthetase 2, mitochondrial; minus strand). Cytogenetic location: 13q34.
Variant type: single nucleotide variant.
Coding change: c.1206C>T on transcript NM_024537.4 (MANE Select); coding-DNA position 1206, C replaced by T.
Protein change: p.Thr402=; no amino-acid change (threonine 402 retained).
Molecular consequence: synonymous variant. On other transcripts: non-coding transcript variant (2).
Genome position (GRCh38, 1-based): chr13:110,646,078, G>A on the plus strand (C>T on the coding strand, the complement: CARS2 is on the minus strand). VCF-style: chr13-110646078-G-A. GRCh37 (hg19) VCF-style: chr13-111298425-G-A.
Other names: c.420C>T, p.Thr140= (NM_001352252.2); c.1206C>T (NM_024537.3).
Identifiers: ClinVar variation 1665174 (VCV001665174.9), dbSNP rs556643017, ClinGen allele CA7051863.